The following is an entry in ClinVar:

NM_000168.6(GLI3):c.1937_1949dup (p.Pro652fs)

Gene: GLI3 (GLI family zinc finger 3; minus strand). Cytogenetic location: 7p14.1.
Variant type: Duplication.
Coding change: c.1937_1949dup on transcript NM_000168.6 (MANE Select); coding-DNA positions 1937 to 1949, 13 bases duplicated (TCCATCCTCGGCC).
Protein change: p.Pro652fs; shifts the reading frame from proline 652.
Molecular consequence: frameshift variant.
Genome position (GRCh38, 1-based): chr7:41,972,491-41,972,503, GGCCGAGGATGGA duplicated on the plus strand (TCCATCCTCGGCC on the coding strand, the reverse complement: GLI3 is on the minus strand). VCF-style (leftmost placement, unchanged base first): chr7-41972490-C-CGGCCGAGGATGGA. GRCh37 (hg19) VCF-style: chr7-42012089-C-CGGCCGAGGATGGA.
Other names: short protein forms P652fs.
Identifiers: ClinVar variation 2657412 (VCV002657412.24), dbSNP rs2484418831, ClinGen allele CA2695198479.

ClinVar aggregate classification (germline): Pathogenic (1 of 4 stars; one submission).

Submission:

CeGaT Center for Human Genetics Tuebingen
Classification: Pathogenic. Last evaluated: 2023-10-01. Review status: criteria provided, single submitter. Criteria: CeGaT Center For Human Genetics Tuebingen Variant Classification Criteria Version 2. Collection method: clinical testing. Allele origin: germline. Affected: yes. Observed: 1 variant allele.
Comment: GLI3: PVS1, PM2